The following is an entry in ClinVar:

ClinVar aggregate classification (germline): Uncertain significance (1 of 4 stars; one submission).

Submission:

Labcorp Genetics (formerly Invitae), Labcorp
Classification: Uncertain significance. Last evaluated: 2022-06-15. Review status: criteria provided, single submitter. Criteria: Invitae Variant Classification Sherloc (09022015). Collection method: clinical testing. Allele origin: germline.
Comment: This variant is not present in population databases (gnomAD no frequency). In summary, the available evidence is currently insufficient to determine the role of this variant in disease. Therefore, it has been classified as a Variant of Uncertain Significance. Algorithms developed to predict the effect of missense changes on protein structure and function (SIFT, PolyPhen-2, Align-GVGD) all suggest that this variant is likely to be tolerated. This variant has not been reported in the literature in individuals affected with NDUFAF1-related conditions. This sequence change replaces serine, which is neutral and polar, with cysteine, which is neutral and slightly polar, at codon 18 of the NDUFAF1 protein (p.Ser18Cys).

NM_016013.4(NDUFAF1):c.53C>G (p.Ser18Cys)

Gene: NDUFAF1 (NADH:ubiquinone oxidoreductase complex assembly factor 1; minus strand). Cytogenetic location: 15q15.1.
Variant type: single nucleotide variant.
Coding change: c.53C>G on transcript NM_016013.4 (MANE Select); coding-DNA position 53, C replaced by G.
Protein change: p.Ser18Cys; replaces serine 18 with cysteine.
Molecular consequence: missense variant. On other transcripts: non-coding transcript variant (1).
Genome position (GRCh38, 1-based): chr15:41,397,007, G>C on the plus strand (C>G on the coding strand, the complement: NDUFAF1 is on the minus strand). VCF-style: chr15-41397007-G-C. GRCh37 (hg19) VCF-style: chr15-41689205-G-C.
Other names: short protein forms S18C.
Identifiers: ClinVar variation 2007211 (VCV002007211.4), dbSNP rs2550179826, ClinGen allele CA391810890.